The following is an entry in ClinVar:

ClinVar aggregate classification (germline): Pathogenic (1 of 4 stars; one submission).

Conditions:
Epilepsy, familial focal, with variable foci 3 (FFEVF3). Identifiers: MedGen C4310708, MONDO:0014925, OMIM 617118.

Submission:

Labcorp Genetics (formerly Invitae), Labcorp
Classification: Pathogenic for Epilepsy, familial focal, with variable foci 3. Last evaluated: 2022-07-19. Review status: criteria provided, single submitter. Criteria: Invitae Variant Classification Sherloc (09022015). Collection method: clinical testing. Allele origin: germline.
Comment: For these reasons, this variant has been classified as Pathogenic. This variant has not been reported in the literature in individuals affected with NPRL3-related conditions. This variant is not present in population databases (gnomAD no frequency). This sequence change creates a premature translational stop signal (p.Glu57*) in the NPRL3 gene. It is expected to result in an absent or disrupted protein product. Loss-of-function variants in NPRL3 are known to be pathogenic (PMID: 26285051, 26505888).

Literature cited by the submitters: PubMed 26285051; PubMed 26505888.

NM_001077350.3(NPRL3):c.169G>T (p.Glu57Ter)

Genes: HBA-LCR (alpha-globin locus control region; plus strand), NPRL3 (NPR3 like, GATOR1 complex subunit; minus strand). Cytogenetic location: 16p13.3.
Variant type: single nucleotide variant.
Coding change: c.169G>T on transcript NM_001077350.3 (MANE Select); coding-DNA position 169, G replaced by T.
Protein change: p.Glu57Ter; replaces glutamic acid 57 with a stop codon.
Molecular consequence: nonsense. On other transcripts: 5 prime UTR variant (2).
Genome position (GRCh38, 1-based): chr16:130,541, C>A on the plus strand (G>T on the coding strand, the complement: NPRL3 is on the minus strand). VCF-style: chr16-130541-C-A. GRCh37 (hg19) VCF-style: chr16-180540-C-A.
Other names: c.-164G>T (NM_001039476.3); c.-203G>T (NM_001243247.2); c.169G>T, p.Glu57Ter (NM_001243248.2, NM_001243249.2); short protein forms E57*.
Identifiers: ClinVar variation 2087315 (VCV002087315.4), dbSNP rs907712162, ClinGen allele CA393997749.
Genomic context (GRCh38, chr16:130,541, plus strand): 5'-CCAGGACACGCCCCGCCCTGAAGTGGCCGCAGAGCCTTTACCTGGAATCGCCGTCCTGCT[C>A]ATCAGCATGGTCGCCCGTGTTGCTGGCAGCGTATCTGCTACGCGGCTTACCTGAGTCGGG-3'